The following is an entry in ClinVar:

NM_020921.4(NIN):c.4820T>C (p.Leu1607Pro)

Gene: NIN (ninein; minus strand). Cytogenetic location: 14q22.1.
Variant type: single nucleotide variant.
Coding change: c.4820T>C on transcript NM_020921.4 (MANE Select); coding-DNA position 4820, T replaced by C.
Protein change: p.Leu1607Pro; replaces leucine 1607 with proline.
Molecular consequence: missense variant.
Genome position (GRCh38, 1-based): chr14:50,752,648, A>G on the plus strand (T>C on the coding strand, the complement: NIN is on the minus strand). VCF-style: chr14-50752648-A-G. GRCh37 (hg19) VCF-style: chr14-51219366-A-G.
Other names: c.2681T>C, p.Leu894Pro (NM_016350.5); c.4820T>C, p.Leu1607Pro (NM_182944.3, NM_182946.2); c.4820T>C (NM_020921.3); short protein forms L894P, L1607P.
Identifiers: ClinVar variation 2885938 (VCV002885938.4), dbSNP rs1385696961, ClinGen allele CA389687678.

ClinVar aggregate classification (germline): Uncertain significance. Review status: criteria provided, multiple submitters, no conflicts (2 of 4 stars). 2 submissions from 2 submitters: Uncertain significance (2). Last evaluated 2024-12-25.

Allele frequency attached by ClinVar (database versions not stated): gnomAD 0.00001; gnomAD exomes 0.00001; TOPMed 0.00002.
gnomAD v4.1: 21 of 1,613,682 alleles (0.0013%); highest among the groups gnomAD compares: Non-Finnish European, 0.0018%; no homozygotes.

Submissions (2):

Ambry Genetics
Classification: Uncertain significance. Last evaluated: 2024-12-25. Review status: criteria provided, single submitter. Criteria: Ambry Variant Classification Scheme 2023. Collection method: clinical testing. Allele origin: germline.

Labcorp Genetics (formerly Invitae), Labcorp
Classification: Uncertain significance. Last evaluated: 2023-11-13. Review status: criteria provided, single submitter. Criteria: Invitae Variant Classification Sherloc (09022015). Collection method: clinical testing. Allele origin: germline.
Comment: This sequence change replaces leucine, which is neutral and non-polar, with proline, which is neutral and non-polar, at codon 1607 of the NIN protein (p.Leu1607Pro). This variant is present in population databases (no rsID available, gnomAD 0.0009%). This variant has not been reported in the literature in individuals affected with NIN-related conditions. An algorithm developed to predict the effect of missense changes on protein structure and function (PolyPhen-2) suggests that this variant is likely to be disruptive. In summary, the available evidence is currently insufficient to determine the role of this variant in disease. Therefore, it has been classified as a Variant of Uncertain Significance.